The following is an entry in ClinVar:

NM_001042492.3(NF1):c.1133_1136del (p.Asp378fs)

Gene: NF1 (neurofibromin 1; plus strand). Cytogenetic location: 17q11.2.
Variant type: Deletion.
Coding change: c.1133_1136del on transcript NM_001042492.3 (MANE Select); coding-DNA positions 1133 to 1136, 4 bases deleted (ACTG; older notation c.1133_1136delACTG).
Protein change: p.Asp378fs; shifts the reading frame from aspartic acid 378.
Molecular consequence: frameshift variant.
Genome position (GRCh38, 1-based): chr17:31,201,107-31,201,110, ACTG deleted; deleting any 4 consecutive bases within chr17:31,201,105-31,201,110 gives the same sequence; the c. name uses the placement nearest the transcript's 3' end. VCF-style (leftmost placement, unchanged base first): chr17-31201104-TTGAC-T. GRCh37 (hg19) VCF-style: chr17-29528122-TTGAC-T.
Other names: c.1133_1136delACTG, p.Asp378Alafs (NM_000267.4); c.1133_1136del, p.Asp378fs (NM_001128147.3); short protein forms D378fs.
Identifiers: ClinVar variation 1427443 (VCV001427443.6), dbSNP rs2143879667, ClinGen allele CA658760993.

ClinVar aggregate classification (germline): Pathogenic. Review status: criteria provided, multiple submitters, no conflicts (2 of 4 stars). 2 submissions from 2 submitters: Pathogenic (2). Last evaluated 2023-07-01.

Conditions:
Neurofibromatosis, type 1 (NF1). Also called: VON RECKLINGHAUSEN DISEASE; NEUROFIBROMATOSIS, TYPE I, SOMATIC; Neurofibromatosis, type I; Peripheral type neurofibromatosis. Identifiers: Orphanet 636, MedGen C0027831, MONDO:0018975, OMIM 162200. Disease mechanism: loss of function.

Submissions (2):

Division of Human Genetics, National Health Laboratory Service/University of the Witwatersrand
Classification: Pathogenic for Neurofibromatosis, type 1. Last evaluated: 2023-07-01. Review status: criteria provided, single submitter. Criteria: ACMG Guidelines, 2015. Collection method: research. Allele origin: germline. Affected: yes.

Labcorp Genetics (formerly Invitae), Labcorp
Classification: Pathogenic for Neurofibromatosis, type 1. Last evaluated: 2022-10-18. Review status: criteria provided, single submitter. Criteria: Invitae Variant Classification Sherloc (09022015). Collection method: clinical testing. Allele origin: germline.
Comment: This variant is not present in population databases (gnomAD no frequency). This sequence change creates a premature translational stop signal (p.Asp378Alafs*8) in the NF1 gene. It is expected to result in an absent or disrupted protein product. Loss-of-function variants in NF1 are known to be pathogenic (PMID: 10712197, 23913538). This premature translational stop signal has been observed in individual(s) with clinical features of neurofibromatosis type 1 (PMID: 17960768, 18546366). ClinVar contains an entry for this variant (Variation ID: 1427443). For these reasons, this variant has been classified as Pathogenic.

Literature cited by the submitters: PubMed 10712197 (cited by Labcorp Genetics (formerly Invitae), Labcorp); PubMed 23913538 (cited by Labcorp Genetics (formerly Invitae), Labcorp); PubMed 17960768 (cited by Labcorp Genetics (formerly Invitae), Labcorp); PubMed 18546366 (cited by Labcorp Genetics (formerly Invitae), Labcorp).